The following is an entry in ClinVar:

ClinVar aggregate classification (germline): Conflicting classifications of pathogenicity. Review status: criteria provided, conflicting classifications (1 of 4 stars). 2 submissions from 2 submitters: Uncertain significance (1); Likely benign (1). Last evaluated 2025-05-16.

Conditions:
Hereditary cancer-predisposing syndrome. Also called: Neoplastic Syndromes, Hereditary; Tumor predisposition; Hereditary neoplastic syndrome; Hereditary Cancer Syndrome. Identifiers: Orphanet 140162, MedGen C0027672, MeSH D009386, MONDO:0015356.
Hereditary breast ovarian cancer syndrome. Also called: Hereditary breast and ovarian cancer; Hereditary breast and/or ovarian cancer syndrome; BRCA1- and BRCA2-Associated Hereditary Breast and Ovarian Cancer; Hereditary breast and ovarian cancer syndrome; Hereditary breast and ovarian cancer syndrome (HBOC); Breast and ovarian cancer. Identifiers: Orphanet 145, MedGen C0677776, MeSH D061325, MONDO:0003582. Disease mechanism: loss of function.

Allele frequency attached by ClinVar (database versions not stated): gnomAD exomes below 0.00001.
gnomAD v4.1: 1 of 1,613,376 alleles (0.000062%); highest among the groups gnomAD compares: Non-Finnish European, 0.000085%; no homozygotes.

Submissions (2):

Ambry Genetics
Classification: Likely benign for Hereditary cancer-predisposing syndrome. Last evaluated: 2025-05-16. Review status: criteria provided, single submitter. Criteria: Ambry Variant Classification Scheme 2023. Collection method: clinical testing. Allele origin: germline.

Labcorp Genetics (formerly Invitae), Labcorp
Classification: Uncertain significance for Hereditary breast ovarian cancer syndrome. Last evaluated: 2021-01-07. Review status: criteria provided, single submitter. Criteria: Invitae Variant Classification Sherloc (09022015). Collection method: clinical testing. Allele origin: germline.
Comment: In summary, the available evidence is currently insufficient to determine the role of this variant in disease. Therefore, it has been classified as a Variant of Uncertain Significance. Advanced modeling of protein sequence and biophysical properties (such as structural, functional, and spatial information, amino acid conservation, physicochemical variation, residue mobility, and thermodynamic stability) performed at Invitae indicates that this missense variant is not expected to disrupt BRCA2 protein function. This variant has not been reported in the literature in individuals with BRCA2-related conditions. This variant is not present in population databases (ExAC no frequency). This sequence change replaces valine with alanine at codon 2969 of the BRCA2 protein (p.Val2969Ala). The valine residue is highly conserved and there is a small physicochemical difference between valine and alanine.

NM_000059.4(BRCA2):c.8906T>C (p.Val2969Ala)

Gene: BRCA2 (BRCA2 DNA repair associated; plus strand). Cytogenetic location: 13q13.1.
Variant type: single nucleotide variant.
Coding change: c.8906T>C on transcript NM_000059.4 (MANE Select); coding-DNA position 8906, T replaced by C.
Protein change: p.Val2969Ala; replaces valine 2969 with alanine.
Molecular consequence: missense variant.
Genome position (GRCh38, 1-based): chr13:32,379,468, T>C. VCF-style: chr13-32379468-T-C. GRCh37 (hg19) VCF-style: chr13-32953605-T-C.
Other names: c.8906T>C (NM_000059.3); short protein forms V2969A.
Identifiers: ClinVar variation 1363158 (VCV001363158.10), dbSNP rs2137620350, ClinGen allele CA387757247.